The following is an entry in ClinVar:

ClinVar aggregate classification (germline): Conflicting classifications of pathogenicity. Review status: criteria provided, conflicting classifications (1 of 4 stars). 3 submissions from 3 submitters: Uncertain significance (2); Likely benign (1). Last evaluated 2025-09-12.

Conditions:
Hereditary cancer-predisposing syndrome. Also called: Tumor predisposition; Hereditary neoplastic syndrome; Hereditary Cancer Syndrome; Neoplastic Syndromes, Hereditary. Identifiers: Orphanet 140162, MedGen C0027672, MeSH D009386, MONDO:0015356.
Hereditary breast ovarian cancer syndrome. Also called: Hereditary breast and ovarian cancer; Breast and ovarian cancer; BRCA1- and BRCA2-Associated Hereditary Breast and Ovarian Cancer; Hereditary breast and/or ovarian cancer syndrome; Hereditary breast and ovarian cancer syndrome; Hereditary breast and ovarian cancer syndrome (HBOC). Identifiers: Orphanet 145, MedGen C0677776, MeSH D061325, MONDO:0003582. Disease mechanism: loss of function.

Submissions (3):

Ambry Genetics
Classification: Uncertain significance for Hereditary cancer-predisposing syndrome. Last evaluated: 2025-09-12. Review status: criteria provided, single submitter. Criteria: Ambry Variant Classification Scheme 2023. Collection method: clinical testing. Allele origin: germline.
Comment: The p.C712Y variant (also known as c.2135G>A), located in coding exon 9 of the BRCA1 gene, results from a G to A substitution at nucleotide position 2135. The cysteine at codon 712 is replaced by tyrosine, an amino acid with highly dissimilar properties. This amino acid position is not well conserved in available vertebrate species. In addition, the in silico prediction for this alteration is inconclusive. Based on the available evidence, the clinical significance of this variant remains unclear.

Labcorp Genetics (formerly Invitae), Labcorp
Classification: Uncertain significance for Hereditary breast ovarian cancer syndrome. Last evaluated: 2024-09-12. Review status: criteria provided, single submitter. Criteria: Invitae Variant Classification Sherloc (09022015). Collection method: clinical testing. Allele origin: germline.
Comment: This sequence change replaces cysteine, which is neutral and slightly polar, with tyrosine, which is neutral and polar, at codon 712 of the BRCA1 protein (p.Cys712Tyr). This variant is not present in population databases (gnomAD no frequency). This missense change has been observed in individual(s) with breast and/or ovarian cancer (PMID: 34981296). ClinVar contains an entry for this variant (Variation ID: 1463053). Invitae Evidence Modeling of protein sequence and biophysical properties (such as structural, functional, and spatial information, amino acid conservation, physicochemical variation, residue mobility, and thermodynamic stability) indicates that this missense variant is not expected to disrupt BRCA1 protein function with a negative predictive value of 95%. In summary, the available evidence is currently insufficient to determine the role of this variant in disease. Therefore, it has been classified as a Variant of Uncertain Significance.

University of Washington Department of Laboratory Medicine, University of Washington
Classification: Likely benign for Hereditary cancer-predisposing syndrome. Last evaluated: 2023-03-23. Review status: criteria provided, single submitter. Criteria: Dines et al. (Genet Med. 2020). Collection method: curation. Allele origin: germline.
Comment: Missense variant in a coldspot region where missense variants are very unlikely to be pathogenic (PMID:31911673).

BRCA1 coldspot (exon 11 using historical exon numbering). Reclassification based on statistical prior probability

Literature cited by the submitters: PubMed 34981296 (cited by Labcorp Genetics (formerly Invitae), Labcorp).

NM_007294.4(BRCA1):c.2135G>A (p.Cys712Tyr)

Gene: BRCA1 (BRCA1 DNA repair associated; minus strand). Cytogenetic location: 17q21.31.
Variant type: single nucleotide variant.
Coding change: c.2135G>A on transcript NM_007294.4 (MANE Select); coding-DNA position 2135, G replaced by A.
Protein change: p.Cys712Tyr; replaces cysteine 712 with tyrosine.
Molecular consequence: missense variant. On other transcripts: intron variant (137).
Genome position (GRCh38, 1-based): chr17:43,093,396, C>T on the plus strand (G>A on the coding strand, the complement: BRCA1 is on the minus strand). VCF-style: chr17-43093396-C-T. GRCh37 (hg19) VCF-style: chr17-41245413-C-T.
Other names: c.1994G>A, p.Cys665Tyr (NM_001407724.1, NM_001407725.1, NM_001407726.1 and 29 more transcripts); c.1991G>A, p.Cys664Tyr (NM_001407740.1, NM_001407741.1, NM_001407742.1 and 20 more transcripts); c.1922G>A, p.Cys641Tyr (NM_001407853.1, NM_001407894.1, NM_001407895.1 and 9 more transcripts); c.2135G>A, p.Cys712Tyr (NM_001407854.1, NM_001407858.1, NM_001407859.1 and 30 more transcripts); c.2132G>A, p.Cys711Tyr (NM_001407860.1, NM_001407861.1, NM_001407587.1 and 22 more transcripts); c.1934G>A, p.Cys645Tyr (NM_001407862.1); c.2012G>A, p.Cys671Tyr (NM_001407863.1, NM_001407919.1, NM_001407937.1 and 19 more transcripts); c.1931G>A, p.Cys644Tyr (NM_001407874.1, NM_001407875.1); and 41 more; short protein forms C712Y, C665Y, C641Y, C642Y, C685Y, C686Y, C416Y, C624Y.
Identifiers: ClinVar variation 1463053 (VCV001463053.10), dbSNP rs1555590395, ClinGen allele CA10597735.
Genomic context (GRCh38, chr17:43,093,396, plus strand): 5'-TCTTTTTCTTCTCTTGGAAGGCTAGGATTGACAAATTCTTTAAGTTCACTGGTATTTGAA[C>T]ACTTAGTAAAAGAACCAGGTGCATTTGTTAACTTCAGCTCTGGGAAAGTATCGCTGTCAT-3'
Protein context (NP_009225.1, residues 702-722): LTNAPGSFTK[Cys712Tyr]SNTSELKEFV